The following is an entry in ClinVar:

ClinVar aggregate classification (germline): Likely pathogenic (1 of 4 stars; one submission).

Conditions:
Congenital ocular coloboma. Also called: COLOBOMA OF IRIS, CHOROID, AND RETINA; COLOBOMA, UVEORETINAL; Coloboma of eye; Coloboma. Identifiers: Orphanet 194, MedGen C0009363, MONDO:0001476, HP:0000589.

Submission:

Genetics Department, University Hospital of Toulouse
Classification: Likely pathogenic for Congenital ocular coloboma. Last evaluated: 2019-10-18. Review status: criteria provided, single submitter. Criteria: ACMG Guidelines, 2015. Collection method: clinical testing. Allele origin: germline. Affected: yes. Observed: 1 variant allele.
Comment: This sequence change alteres a highly conserved amino acid (p.His361delinsArgAsn) in a major functional domain (frizzled domain) of the FZD5 gene. This variant is not present in population databases (ExAC no frequency). This variant has not been reported in the literature in individuals with FZD5-related disease. The loss of the Histidine with the insertion of two novel amino acids Arginine and Asparagine is predicted to be damaging on splicing by in silico analyses (Human Splicing Finder, GeneSplicer, ESEfinder).

Literature cited by the submitters: PubMed 26908622.

NM_003468.4(FZD5):c.1081_1082insGAA (p.His361delinsArgAsn)

Gene: FZD5 (frizzled class receptor 5; minus strand). Cytogenetic location: 2q33.3.
Variant type: Insertion.
Coding change: c.1081_1082insGAA on transcript NM_003468.4 (MANE Select); coding-DNA positions 1081 to 1082, GAA inserted.
Protein change: p.His361delinsArgAsn.
Molecular consequence: inframe indel.
Genome position: GRCh38 VCF-style: chr2-207767658-T-TTTC. GRCh37 (hg19) VCF-style: chr2-208632382-T-TTTC.
Identifiers: ClinVar variation 694330 (VCV000694330.2), dbSNP rs2091987023, ClinGen allele CA916082278.